The following is an entry in ClinVar:

ClinVar aggregate classification (germline): Uncertain significance (1 of 4 stars; one submission).

Submission:

Labcorp Genetics (formerly Invitae), Labcorp
Classification: Uncertain significance. Last evaluated: 2024-06-09. Review status: criteria provided, single submitter. Criteria: Invitae Variant Classification Sherloc (09022015). Collection method: clinical testing. Allele origin: germline.
Comment: This sequence change creates a premature translational stop signal (p.Thr303Tyrfs*4) in the GEN1 gene. It is expected to result in an absent or disrupted protein product. However, the current clinical and genetic evidence is not sufficient to establish whether loss-of-function variants in GEN1 cause disease. This variant is not present in population databases (gnomAD no frequency). This variant has not been reported in the literature in individuals affected with GEN1-related conditions. In summary, the available evidence is currently insufficient to determine the role of this variant in disease. Therefore, it has been classified as a Variant of Uncertain Significance.

NM_001130009.3(GEN1):c.906dup (p.Thr303fs)

Gene: GEN1 (GEN1 structure-specific endonuclease; plus strand). Cytogenetic location: 2p24.2.
Variant type: Duplication.
Coding change: c.906dup on transcript NM_001130009.3 (MANE Select); coding-DNA position 906, one base duplicated (T; older notation c.906dupT).
Protein change: p.Thr303fs; shifts the reading frame from threonine 303.
Molecular consequence: frameshift variant.
Genome position (GRCh38, 1-based): chr2:17,772,737, T duplicated. VCF-style (leftmost placement, unchanged base first): chr2-17772736-G-GT. GRCh37 (hg19) VCF-style: chr2-17954003-G-GT.
Other names: c.906dup, p.Thr303fs (NM_182625.5); short protein forms T303fs.
Identifiers: ClinVar variation 3695171 (VCV003695171.2).
Genomic context (GRCh38, chr2:17,772,736, plus strand): 5'-AAAGTGATAAATATTGTGAGCCACATGACTATGAATACTGCTGTCCTTGTGAGTGGCACC[G>GT]TACAGAACATGATAGGCAACTCAGTGAAGTAGAGAACAATATTAAGAAGTAAGTTTTTTT-3'